The following is an entry in ClinVar:

NM_172107.4(KCNQ2):c.983A>G (p.His328Arg)

Gene: KCNQ2 (potassium voltage-gated channel subfamily Q member 2; minus strand). Cytogenetic location: 20q13.33.
Variant type: single nucleotide variant.
Coding change: c.983A>G on transcript NM_172107.4 (MANE Select); coding-DNA position 983, A replaced by G.
Protein change: p.His328Arg; replaces histidine 328 with arginine.
Molecular consequence: missense variant.
Genome position (GRCh38, 1-based): chr20:63,438,665, T>C on the plus strand (A>G on the coding strand, the complement: KCNQ2 is on the minus strand). VCF-style: chr20-63438665-T-C. GRCh37 (hg19) VCF-style: chr20-62070018-T-C.
Other names: c.983A>G, p.His328Arg (NM_001382235.1, NM_004518.6, NM_172106.3 and 2 more transcripts); short protein forms H328R.
Identifiers: ClinVar variation 2007204 (VCV002007204.4), dbSNP rs2516409290, ClinGen allele CA409652156.

ClinVar aggregate classification (germline): Uncertain significance (1 of 4 stars; one submission).

Conditions:
Early-infantile DEE. Also called: Early infantile epileptic encephalopathy; Ohtahara syndrome; Early infantile epileptic encephalopathy with suppression bursts. Identifiers: Orphanet 1934, MedGen C0393706, MONDO:0800491.

Submission:

Labcorp Genetics (formerly Invitae), Labcorp
Classification: Uncertain significance for Early-infantile DEE. Last evaluated: 2022-09-06. Review status: criteria provided, single submitter. Criteria: Invitae Variant Classification Sherloc (09022015). Collection method: clinical testing. Allele origin: germline.
Comment: In summary, the available evidence is currently insufficient to determine the role of this variant in disease. Therefore, it has been classified as a Variant of Uncertain Significance. Advanced modeling of protein sequence and biophysical properties (such as structural, functional, and spatial information, amino acid conservation, physicochemical variation, residue mobility, and thermodynamic stability) performed at Invitae indicates that this missense variant is expected to disrupt KCNQ2 protein function. This variant has not been reported in the literature in individuals affected with KCNQ2-related conditions. This variant is not present in population databases (gnomAD no frequency). This sequence change replaces histidine, which is basic and polar, with arginine, which is basic and polar, at codon 328 of the KCNQ2 protein (p.His328Arg).